The following is an entry in ClinVar:

NM_031407.7(HUWE1):c.6267T>G (p.Ile2089Met)

Gene: HUWE1 (HECT, UBA and WWE domain containing E3 ubiquitin protein ligase 1; minus strand). Cytogenetic location: Xp11.22.
Variant type: single nucleotide variant.
Coding change: c.6267T>G on transcript NM_031407.7 (MANE Select); coding-DNA position 6267, T replaced by G.
Protein change: p.Ile2089Met; replaces isoleucine 2089 with methionine.
Molecular consequence: missense variant.
Genome position (GRCh38, 1-based): chrX:53,573,795, A>C on the plus strand (T>G on the coding strand, the complement: HUWE1 is on the minus strand). VCF-style: chrX-53573795-A-C. GRCh37 (hg19) VCF-style: chrX-53600755-A-C.
Other names: short protein forms I2089M.
Identifiers: ClinVar variation 375716 (VCV000375716.2), dbSNP rs1556955128, ClinGen allele CA413167957.

ClinVar aggregate classification (germline): Likely pathogenic (1 of 4 stars; one submission).

Conditions:
Intellectual developmental disorder, X-linked, syndromic, Turner type. Also called: Intellectual disability, X-linked syndromic, Turner type; X-linked intellectual disability, Turner type. Identifiers: Orphanet 3056, Orphanet 85328, MedGen C2678046, MONDO:0010407, OMIM 309590.

Submission:

Center for Medical Genetics and Molecular Medicine, Haukeland University Hospital
Classification: Likely pathogenic for Intellectual developmental disorder, X-linked, syndromic, Turner type. Last evaluated: 2017-01-18. Review status: criteria provided, single submitter. Criteria: ACMG Guidelines, 2015. Collection method: clinical testing. Allele origin: de novo. Inheritance: X-linked inheritance. Affected: no. Observed: 1 variant allele.
Comment: ACMG evidence: PS(1), PM(1), PP(2)